The following is an entry in ClinVar:

NM_001401501.2(MUC16):c.42941T>C (p.Met14314Thr)

Gene: MUC16 (mucin 16, cell surface associated; minus strand). Cytogenetic location: 19p13.2.
Variant type: single nucleotide variant.
Coding change: c.42941T>C on transcript NM_001401501.2 (MANE Select); coding-DNA position 42941, T replaced by C.
Protein change: p.Met14314Thr; replaces methionine 14314 with threonine.
Molecular consequence: missense variant.
Genome position (GRCh38, 1-based): chr19:8,891,157, A>G on the plus strand (T>C on the coding strand, the complement: MUC16 is on the minus strand). VCF-style: chr19-8891157-A-G. GRCh37 (hg19) VCF-style: chr19-9001833-A-G.
Other names: c.43367T>C, p.Met14456Thr (NM_001414686.1); c.42821T>C, p.Met14274Thr (NM_001414687.1); c.40415T>C, p.Met13472Thr (NM_024690.2); short protein forms M13472T, M14274T, M14314T, M14456T.
Identifiers: ClinVar variation 3059645 (VCV003059645.2), dbSNP rs12976122, ClinGen allele CA9163382.
Genomic context (GRCh38, chr19:8,891,157, plus strand): 5'-AGAGATGTTGACACTCCTCAGGCATGCTGTAATAGAGATGACACTGAATAGTACTCACTC[A>G]TGGGTCCAGACAGGGAGGCTGGAGTTCTCGAGGTTGCCAGGTGCATTGTGGAGGTATCAG-3'
Protein context (NP_001388430.1, residues 14304-14324): SRTPASLSGP[Met14314Thr]TASPLLVLFT

ClinVar aggregate classification (germline): Benign (0 of 4 stars; one submission).

Conditions:
MUC16-related disorder. Also called: MUC16-related condition.

Allele frequency attached by ClinVar (database versions not stated): 1000 Genomes Project 0.59824; 1000 Genomes Project 30x 0.60244; TOPMed 0.62951; gnomAD 0.64071; ESP Exome Variant Server 0.64805; ExAC 0.67875; gnomAD exomes 0.72589.

Submission:

PreventionGenetics, part of Exact Sciences
Classification: Benign for MUC16-related condition. Last evaluated: 2024-09-12. Review status: no assertion criteria provided. Collection method: clinical testing. Allele origin: germline.
Comment: This variant is classified as benign based on ACMG/AMP sequence variant interpretation guidelines (Richards et al. 2015 PMID: 25741868, with internal and published modifications).